The following is an entry in ClinVar:

NM_006005.3(WFS1):c.2369C>T (p.Ser790Leu)

Gene: WFS1 (wolframin ER transmembrane glycoprotein; plus strand). Cytogenetic location: 4p16.1.
Variant type: single nucleotide variant.
Coding change: c.2369C>T on transcript NM_006005.3 (MANE Select); coding-DNA position 2369, C replaced by T.
Protein change: p.Ser790Leu; replaces serine 790 with leucine.
Molecular consequence: missense variant.
Genome position (GRCh38, 1-based): chr4:6,302,164, C>T. VCF-style: chr4-6302164-C-T. GRCh37 (hg19) VCF-style: chr4-6303891-C-T.
Other names: c.2369C>T, p.Ser790Leu (NM_001145853.1); short protein forms S790L.
Identifiers: ClinVar variation 229641 (VCV000229641.18), dbSNP rs369107336, ClinGen allele CA2839705.
Genomic context (GRCh38, chr4:6,302,164, plus strand): 5'-TCGACCGCTACAAGTTTGAGATTACCGTGGGCATGCCATTCAGCAGCGGCGCTGACGGCT[C>T]GCGCAGCCGCGAGGAGGACGACGTCACCAAGGACATCGTGCTGCGGGCCAGCAGCGAGTT-3'
Protein context (NP_005996.2, residues 780-800): GMPFSSGADG[Ser790Leu]RSREEDDVTK

ClinVar aggregate classification (germline): Conflicting classifications of pathogenicity. Review status: criteria provided, conflicting classifications (1 of 4 stars). 5 submissions from 5 submitters: Uncertain significance (3); Likely benign (2). Last evaluated 2025-11-26.

Allele frequency attached by ClinVar (database versions not stated): TOPMed 0.00029.
gnomAD v4.1: 180 of 1,612,616 alleles (0.011%); highest among the groups gnomAD compares: East Asian, 0.069%; no homozygotes.

Submissions (5):

Labcorp Genetics (formerly Invitae), Labcorp
Classification: Likely benign. Last evaluated: 2025-11-26. Review status: criteria provided, single submitter. Criteria: Invitae Variant Classification Sherloc (09022015). Collection method: clinical testing. Allele origin: germline.

Blueprint Genetics
Classification: Uncertain significance. Last evaluated: 2024-11-25. Review status: criteria provided, single submitter. Criteria: ACMG Guidelines, 2015. Collection method: clinical testing. Allele origin: germline.

Mayo Clinic Laboratories, Mayo Clinic
Classification: Uncertain significance. Last evaluated: 2024-06-04. Review status: criteria provided, single submitter. Criteria: ACMG Guidelines, 2015. Collection method: clinical testing. Allele origin: germline. Observed: 1 variant allele.
Comment: BS1

GeneDx
Classification: Likely benign. Last evaluated: 2019-12-06. Review status: criteria provided, single submitter. Criteria: GeneDx Variant Classification Process June 2021. Collection method: clinical testing. Allele origin: germline. Affected: yes.
Comment: This variant is associated with the following publications: (PMID: 25211237)

Laboratory for Molecular Medicine, Mass General Brigham Personalized Medicine
Classification: Uncertain significance. Last evaluated: 2015-07-20. Review status: criteria provided, single submitter. Criteria: LMM Criteria. Collection method: clinical testing. Allele origin: germline. Observed: 1 variant allele.
Comment: Variant classified as Uncertain Significance - Favor Benign. The p.Ser790Leu var iant in WFS1 has been previously reported as a polymorphism in a study of Japane se individuals with Wolfram syndrome (Matsunaga 2014). This variant has also bee n identified in 9/8474 East Asian chromosomes by the Exome Aggregation Consortiu m (ExAC; dbSNP rs369107336). Although this varia nt has been seen in the general population, its frequency is not high enough to rule out a pathogenic role. Computational prediction tools and conservation anal yses suggest that the Ser790Leu variant may not impact the protein, though this information is not predictive enough to rule out pathogenicity. In summary, whi le the clinical significance of the p.Ser790Leu variant is uncertain, these data suggest that it is more likely to be benign.

Literature cited by the submitters: PubMed 25211237 (cited by Mayo Clinic Laboratories, Mayo Clinic and Laboratory for Molecular Medicine, Mass General Brigham Personalized Medicine); PubMed 37277527 (cited by Mayo Clinic Laboratories, Mayo Clinic).